The following is an entry in ClinVar:

NM_000179.3(MSH6):c.4044A>G (p.Glu1348=)

Gene: MSH6 (mutS homolog 6; plus strand). Cytogenetic location: 2p16.3.
Variant type: single nucleotide variant.
Coding change: c.4044A>G on transcript NM_000179.3 (MANE Select); coding-DNA position 4044, A replaced by G.
Protein change: p.Glu1348=; no amino-acid change (glutamic acid 1348 retained).
Molecular consequence: synonymous variant. On other transcripts: 3 prime UTR variant (5), non-coding transcript variant (5).
Genome position (GRCh38, 1-based): chr2:47,806,821, A>G. VCF-style: chr2-47806821-A-G. GRCh37 (hg19) VCF-style: chr2-48033960-A-G.
Other names: c.3654A>G, p.Glu1218= (NM_001281492.2); c.3138A>G, p.Glu1046= (NM_001281493.2, NM_001281494.2, NM_001406811.1 and 6 more transcripts); c.4140A>G, p.Glu1380= (NM_001406795.1); c.4044A>G, p.Glu1348= (NM_001406796.1, NM_001406809.1); c.3747A>G, p.Glu1249= (NM_001406797.1, NM_001406805.1, NM_001406818.1 and 8 more transcripts); c.3870A>G, p.Glu1290= (NM_001406798.1); c.3519A>G, p.Glu1173= (NM_001406799.1, NM_001406806.1, NM_001406807.1); c.*65A>G (NM_001406800.1); and 9 more.
Identifiers: ClinVar variation 1737305 (VCV001737305.3), dbSNP rs786203740, ClinGen allele CA426122278.
Genomic context (GRCh38, chr2:47,806,821, plus strand): 5'-TTTTTTTTTAATTTTAAGGGAAGTTTGCCTGGCTAGTGAAAGGTCAACTGTAGATGCTGA[A>G]GCTGTCCATAAATTGCTGACTTTGATTAAGGAATTATAGACTGACTACATTGGAAGCTTT-3'
Protein context (NP_000170.1, residues 1338-1358): LASERSTVDA[Glu1348=]AVHKLLTLIK

ClinVar aggregate classification (germline): Benign/Likely benign. Review status: criteria provided, multiple submitters, no conflicts (2 of 4 stars). 2 submissions from 2 submitters: Benign (1); Likely benign (1). Last evaluated 2025-01-09.

Conditions:
Hereditary cancer-predisposing syndrome. Also called: Neoplastic Syndromes, Hereditary; Tumor predisposition; Hereditary Cancer Syndrome; Hereditary neoplastic syndrome. Identifiers: Orphanet 140162, MedGen C0027672, MeSH D009386, MONDO:0015356.
Lynch syndrome 5 (LYNCH5). Also called: Colorectal cancer, hereditary nonpolyposis, type 5; Hereditary non-polyposis colorectal cancer, type 5. Identifiers: Orphanet 144, MedGen C1833477, MONDO:0013710, OMIM 614350. Disease mechanism: loss of function.

Submissions (2):

Myriad Genetics, Inc.
Classification: Benign for Lynch syndrome 5. Last evaluated: 2025-01-09. Review status: criteria provided, single submitter. Criteria: Myriad Autosomal Dominant, Autosomal Recessive and X-Linked Classification Criteria (2023). Collection method: clinical testing. Allele origin: unknown.
Comment: This variant is considered benign. This variant is a silent/synonymous amino acid change and it is not expected to impact splicing.

Ambry Genetics
Classification: Likely benign for Hereditary cancer-predisposing syndrome. Last evaluated: 2021-01-25. Review status: criteria provided, single submitter. Criteria: Ambry Variant Classification Scheme 2023. Collection method: clinical testing. Allele origin: germline.